The following is an entry in ClinVar:

NM_004531.5(MOCS2):c.197C>T (p.Pro66Leu)

Gene: MOCS2 (molybdenum cofactor synthesis 2; minus strand). Cytogenetic location: 5q11.2.
Variant type: single nucleotide variant.
Coding change: c.197C>T on transcript NM_004531.5 (MANE Select); coding-DNA position 197, C replaced by T.
Protein change: p.Pro66Leu; replaces proline 66 with leucine.
Molecular consequence: missense variant. On other transcripts: 3 prime UTR variant (1).
Genome position (GRCh38, 1-based): chr5:53,102,126, G>A on the plus strand (C>T on the coding strand, the complement: MOCS2 is on the minus strand). VCF-style: chr5-53102126-G-A. GRCh37 (hg19) VCF-style: chr5-52397956-G-A.
Other names: c.*117C>T (NM_176806.4); short protein forms P66L.
Identifiers: ClinVar variation 1008230 (VCV001008230.7), dbSNP rs371082200, ClinGen allele CA3263697.

ClinVar aggregate classification (germline): Uncertain significance. Review status: criteria provided, multiple submitters, no conflicts (2 of 4 stars). 2 submissions from 2 submitters: Uncertain significance (2). Last evaluated 2024-06-03.

Conditions:
Sulfite oxidase deficiency due to molybdenum cofactor deficiency type B1 (MOCODB1). Also called: Molybdenum cofactor deficiency B; Molybdenum cofactor deficiency, complementation group B; MOLYBDENUM COFACTOR DEFICIENCY, TYPE B1; Sulfite oxidase deficiency due to molybdenum cofactor deficiency type B. Identifiers: Orphanet 308393, Orphanet 833, MedGen C6065887, MONDO:0009644, OMIM 252160.

Allele frequency attached by ClinVar (database versions not stated): gnomAD 0.00001 and 0.00002; TOPMed 0.00002; ExAC 0.00003; gnomAD exomes 0.00003; ESP Exome Variant Server 0.00008.
gnomAD v4.1: 76 of 1,613,570 alleles (0.0047%); highest among the groups gnomAD compares: Middle Eastern, 0.016%; no homozygotes.

Submissions (2):

Fulgent Genetics
Classification: Uncertain significance for Sulfite oxidase deficiency due to molybdenum cofactor deficiency type B1. Last evaluated: 2024-06-03. Review status: criteria provided, single submitter. Criteria: ACMG Guidelines, 2015. Collection method: clinical testing. Allele origin: germline.

Labcorp Genetics (formerly Invitae), Labcorp
Classification: Uncertain significance. Last evaluated: 2022-05-21. Review status: criteria provided, single submitter. Criteria: Invitae Variant Classification Sherloc (09022015). Collection method: clinical testing. Allele origin: germline.
Comment: This sequence change replaces proline, which is neutral and non-polar, with leucine, which is neutral and non-polar, at codon 66 of the MOCS2B protein (p.Pro66Leu). This variant is present in population databases (rs371082200, gnomAD 0.007%). This variant has not been reported in the literature in individuals affected with MOCS2B-related conditions. ClinVar contains an entry for this variant (Variation ID: 1008230). Algorithms developed to predict the effect of missense changes on protein structure and function are either unavailable or do not agree on the potential impact of this missense change (SIFT: "Deleterious"; PolyPhen-2: "Benign"; Align-GVGD: "Class C0"). In summary, the available evidence is currently insufficient to determine the role of this variant in disease. Therefore, it has been classified as a Variant of Uncertain Significance.